The following is an entry in ClinVar:

NM_000073.3(CD3G):c.178A>T (p.Lys60Ter)

Genes: CD3G (CD3 gamma subunit of T-cell receptor complex; plus strand), LOC126861358 (BRD4-independent group 4 enhancer GRCh37_chr11:118220212-118221411; plus strand). Cytogenetic location: 11q23.3.
Variant type: single nucleotide variant.
Coding change: c.178A>T on transcript NM_000073.3 (MANE Select); coding-DNA position 178, A replaced by T.
Protein change: p.Lys60Ter; replaces lysine 60 with a stop codon.
Molecular consequence: nonsense.
Genome position (GRCh38, 1-based): chr11:118,349,841, A>T. VCF-style: chr11-118349841-A-T. GRCh37 (hg19) VCF-style: chr11-118220556-A-T.
Other names: short protein forms K60*.
Identifiers: ClinVar variation 1070478 (VCV001070478.7), dbSNP rs2134069699, ClinGen allele CA382792466.

ClinVar aggregate classification (germline): Pathogenic (1 of 4 stars; one submission).

Conditions:
Combined immunodeficiency due to CD3gamma deficiency. Also called: Immunodeficiency 17; CD3-GAMMA DEFICIENCY; SCID-LIKE IMMUNODEFICIENCY, T CELL-PARTIAL, B CELL-POSITIVE, NK CELL-POSITIVE; Immunodeficiency 17, CD3 gamma deficient. Identifiers: Orphanet 169082, MedGen C3810107, MONDO:0014276, OMIM 615607.

Submission:

Labcorp Genetics (formerly Invitae), Labcorp
Classification: Pathogenic for Combined immunodeficiency due to CD3gamma deficiency. Last evaluated: 2020-10-20. Review status: criteria provided, single submitter. Criteria: Invitae Variant Classification Sherloc (09022015). Collection method: clinical testing. Allele origin: germline.
Comment: This variant has not been reported in the literature in individuals with CD3G-related conditions. This variant is not present in population databases (ExAC no frequency). This sequence change creates a premature translational stop signal (p.Lys60*) in the CD3G gene. It is expected to result in an absent or disrupted protein product. Loss-of-function variants in CD3G are known to be pathogenic (PMID: 1635567, 17277165, 24910257). Algorithms developed to predict the effect of sequence changes on RNA splicing suggest that this variant may create or strengthen a splice site, but this prediction has not been confirmed by published transcriptional studies. For these reasons, this variant has been classified as Pathogenic.

Literature cited by the submitters: PubMed 1635567; PubMed 17277165; PubMed 24910257.